The following is an entry in ClinVar:

NM_001083962.2(TCF4):c.107G>A (p.Gly36Glu)

Gene: TCF4 (transcription factor 4; minus strand). Cytogenetic location: 18q21.2.
Variant type: single nucleotide variant.
Coding change: c.107G>A on transcript NM_001083962.2 (MANE Select); coding-DNA position 107, G replaced by A.
Protein change: p.Gly36Glu; replaces glycine 36 with glutamic acid.
Molecular consequence: missense variant.
Genome position (GRCh38, 1-based): chr18:55,585,318, C>T on the plus strand (G>A on the coding strand, the complement: TCF4 is on the minus strand). VCF-style: chr18-55585318-C-T. GRCh37 (hg19) VCF-style: chr18-53252549-C-T.
Other names: c.413G>A, p.Gly138Glu (NM_001243226.3); c.35G>A, p.Gly12Glu (NM_001243227.2, NM_001306207.1, NM_001348217.1 and 15 more transcripts); c.107G>A, p.Gly36Glu (NM_001243228.2, NM_001330604.3, NM_001369567.1 and 8 more transcripts); c.101G>A, p.Gly34Glu (NM_001243230.2); short protein forms G12E, G34E, G36E, G138E.
Identifiers: ClinVar variation 961344 (VCV000961344.9), dbSNP rs2097629411, ClinGen allele CA402704080.

ClinVar aggregate classification (germline): Uncertain significance (1 of 4 stars; one submission).

Conditions:
Pitt-Hopkins syndrome (PTHS). Also called: ENCEPHALOPATHY, SEVERE EPILEPTIC, WITH AUTONOMIC DYSFUNCTION; MENTAL RETARDATION, SYNDROMAL, WITH INTERMITTENT HYPERVENTILATION. Identifiers: Orphanet 2896, MedGen C1970431, MONDO:0012589, OMIM 610954.

Allele frequency attached by ClinVar (database versions not stated): gnomAD exomes below 0.00001; TOPMed below 0.00001.
gnomAD v4.1: 1 of 1,613,982 alleles (0.000062%); highest among the groups gnomAD compares: Non-Finnish European, 0.000085%; no homozygotes.

Submission:

Labcorp Genetics (formerly Invitae), Labcorp
Classification: Uncertain significance for Pitt-Hopkins syndrome. Last evaluated: 2023-07-17. Review status: criteria provided, single submitter. Criteria: Invitae Variant Classification Sherloc (09022015). Collection method: clinical testing. Allele origin: germline.
Comment: ClinVar contains an entry for this variant (Variation ID: 961344). This sequence change replaces glycine, which is neutral and non-polar, with glutamic acid, which is acidic and polar, at codon 36 of the TCF4 protein (p.Gly36Glu). This variant is not present in population databases (gnomAD no frequency). This variant has not been reported in the literature in individuals affected with TCF4-related conditions. Advanced modeling of protein sequence and biophysical properties (such as structural, functional, and spatial information, amino acid conservation, physicochemical variation, residue mobility, and thermodynamic stability) performed at Invitae indicates that this missense variant is not expected to disrupt TCF4 protein function. In summary, the available evidence is currently insufficient to determine the role of this variant in disease. Therefore, it has been classified as a Variant of Uncertain Significance.